The following is an entry in ClinVar:

NM_000494.4(COL17A1):c.1261A>C (p.Thr421Pro)

Gene: COL17A1 (collagen type XVII alpha 1 chain; minus strand). Cytogenetic location: 10q25.1.
Variant type: single nucleotide variant.
Coding change: c.1261A>C on transcript NM_000494.4 (MANE Select); coding-DNA position 1261, A replaced by C.
Protein change: p.Thr421Pro; replaces threonine 421 with proline.
Molecular consequence: missense variant.
Genome position (GRCh38, 1-based): chr10:104,058,152, T>G on the plus strand (A>C on the coding strand, the complement: COL17A1 is on the minus strand). VCF-style: chr10-104058152-T-G. GRCh37 (hg19) VCF-style: chr10-105817910-T-G.
Other names: short protein forms T421P.
Identifiers: ClinVar variation 4770607 (VCV004770607.1).

ClinVar aggregate classification (germline): Uncertain significance (1 of 4 stars; one submission).

gnomAD v4.1: 3 of 1,614,186 alleles (0.00019%); highest among the groups gnomAD compares: African/African-American, 0.0013%; no homozygotes.

Submission:

Labcorp Genetics (formerly Invitae), Labcorp
Classification: Uncertain significance. Last evaluated: 2025-04-03. Review status: criteria provided, single submitter. Criteria: Invitae Variant Classification Sherloc (09022015). Collection method: clinical testing. Allele origin: germline.
Comment: This sequence change replaces threonine, which is neutral and polar, with proline, which is neutral and non-polar, at codon 421 of the COL17A1 protein (p.Thr421Pro). This variant is not present in population databases (gnomAD no frequency). This variant has not been reported in the literature in individuals affected with COL17A1-related conditions. Invitae Evidence Modeling of protein sequence and biophysical properties (such as structural, functional, and spatial information, amino acid conservation, physicochemical variation, residue mobility, and thermodynamic stability) indicates that this missense variant is not expected to disrupt COL17A1 protein function with a negative predictive value of 80%. In summary, the available evidence is currently insufficient to determine the role of this variant in disease. Therefore, it has been classified as a Variant of Uncertain Significance.